The following is an entry in ClinVar:

NM_001080517.3(SETD5):c.1373C>T (p.Ser458Leu)

Gene: SETD5 (SET domain containing 5; plus strand). Cytogenetic location: 3p25.3.
Variant type: single nucleotide variant.
Coding change: c.1373C>T on transcript NM_001080517.3 (MANE Select); coding-DNA position 1373, C replaced by T.
Protein change: p.Ser458Leu; replaces serine 458 with leucine.
Molecular consequence: missense variant.
Genome position (GRCh38, 1-based): chr3:9,445,233, C>T. VCF-style: chr3-9445233-C-T. GRCh37 (hg19) VCF-style: chr3-9486917-C-T.
Other names: c.1079C>T, p.Ser360Leu (NM_001292043.2, NM_001349451.2); short protein forms S360L, S458L.
Identifiers: ClinVar variation 2152437 (VCV002152437.20), dbSNP rs371491667, ClinGen allele CA2239142.

ClinVar aggregate classification (germline): Conflicting classifications of pathogenicity. Review status: criteria provided, conflicting classifications (1 of 4 stars). 2 submissions from 2 submitters: Uncertain significance (1); Likely benign (1). Last evaluated 2025-11-10.

Allele frequency attached by ClinVar (database versions not stated): gnomAD exomes 0.00004; ExAC 0.00005; gnomAD 0.00006; TOPMed 0.00006; ESP Exome Variant Server 0.00008.
gnomAD v4.1: 67 of 1,612,430 alleles (0.0042%); highest among the groups gnomAD compares: Non-Finnish European, 0.0056%; no homozygotes.

Submissions (2):

Labcorp Genetics (formerly Invitae), Labcorp
Classification: Uncertain significance. Last evaluated: 2025-11-10. Review status: criteria provided, single submitter. Criteria: Invitae Variant Classification Sherloc (09022015). Collection method: clinical testing. Allele origin: germline.
Comment: This sequence change replaces serine, which is neutral and polar, with leucine, which is neutral and non-polar, at codon 458 of the SETD5 protein (p.Ser458Leu). This variant is present in population databases (rs371491667, gnomAD 0.009%). This variant has not been reported in the literature in individuals affected with SETD5-related conditions. ClinVar contains an entry for this variant (Variation ID: 2152437). Invitae Evidence Modeling of protein sequence and biophysical properties (such as structural, functional, and spatial information, amino acid conservation, physicochemical variation, residue mobility, and thermodynamic stability) indicates that this missense variant is not expected to disrupt SETD5 protein function with a negative predictive value of 80%. In summary, the available evidence is currently insufficient to determine the role of this variant in disease. Therefore, it has been classified as a Variant of Uncertain Significance.

CeGaT Center for Human Genetics Tuebingen
Classification: Likely benign. Last evaluated: 2024-08-01. Review status: criteria provided, single submitter. Criteria: CeGaT Center For Human Genetics Tuebingen Variant Classification Criteria Version 2. Collection method: clinical testing. Allele origin: germline. Affected: yes. Observed: 1 variant allele.
Comment: SETD5: BP4, BS1